The following is an entry in ClinVar:

NM_006767.4(LZTR1):c.326T>C (p.Phe109Ser)

Gene: LZTR1 (leucine zipper like post translational regulator 1; plus strand). Cytogenetic location: 22q11.21.
Variant type: single nucleotide variant.
Coding change: c.326T>C on transcript NM_006767.4 (MANE Select); coding-DNA position 326, T replaced by C.
Protein change: p.Phe109Ser; replaces phenylalanine 109 with serine.
Molecular consequence: missense variant.
Genome position (GRCh38, 1-based): chr22:20,987,509, T>C. VCF-style: chr22-20987509-T-C. GRCh37 (hg19) VCF-style: chr22-21341798-T-C.
Other names: short protein forms F109S.
Identifiers: ClinVar variation 3652307 (VCV003652307.2).

ClinVar aggregate classification (germline): Uncertain significance (1 of 4 stars; one submission).

Submission:

Labcorp Genetics (formerly Invitae), Labcorp
Classification: Uncertain significance. Last evaluated: 2024-05-06. Review status: criteria provided, single submitter. Criteria: Invitae Variant Classification Sherloc (09022015). Collection method: clinical testing. Allele origin: germline.
Comment: This sequence change replaces phenylalanine, which is neutral and non-polar, with serine, which is neutral and polar, at codon 109 of the LZTR1 protein (p.Phe109Ser). This variant is not present in population databases (gnomAD no frequency). This variant has not been reported in the literature in individuals affected with LZTR1-related conditions. Advanced modeling of protein sequence and biophysical properties (such as structural, functional, and spatial information, amino acid conservation, physicochemical variation, residue mobility, and thermodynamic stability) performed at Invitae indicates that this missense variant is not expected to disrupt LZTR1 protein function with a negative predictive value of 80%. In summary, the available evidence is currently insufficient to determine the role of this variant in disease. Therefore, it has been classified as a Variant of Uncertain Significance.